The following is an entry in ClinVar:

NM_002439.5(MSH3):c.713A>C (p.Glu238Ala)

Gene: MSH3 (mutS homolog 3; plus strand). Cytogenetic location: 5q14.1.
Variant type: single nucleotide variant.
Coding change: c.713A>C on transcript NM_002439.5 (MANE Select); coding-DNA position 713, A replaced by C.
Protein change: p.Glu238Ala; replaces glutamic acid 238 with alanine.
Molecular consequence: missense variant.
Genome position (GRCh38, 1-based): chr5:80,670,230, A>C. VCF-style: chr5-80670230-A-C. GRCh37 (hg19) VCF-style: chr5-79966049-A-C.
Other names: short protein forms E238A.
Identifiers: ClinVar variation 3913617 (VCV003913617.1).

ClinVar aggregate classification (germline): Uncertain significance (1 of 4 stars; one submission).

Conditions:
Hereditary cancer-predisposing syndrome. Also called: Hereditary Cancer Syndrome; Hereditary neoplastic syndrome; Neoplastic Syndromes, Hereditary; Tumor predisposition. Identifiers: Orphanet 140162, MedGen C0027672, MeSH D009386, MONDO:0015356.

Submission:

Ambry Genetics
Classification: Uncertain significance for Hereditary cancer-predisposing syndrome. Last evaluated: 2025-04-03. Review status: criteria provided, single submitter. Criteria: Ambry Variant Classification Scheme 2023. Collection method: clinical testing. Allele origin: germline.
Comment: The p.E238A variant (also known as c.713A>C), located in coding exon 4 of the MSH3 gene, results from an A to C substitution at nucleotide position 713. The glutamic acid at codon 238 is replaced by alanine, an amino acid with dissimilar properties. This amino acid position is conserved. In addition, this alteration is predicted to be tolerated by in silico analysis. Based on the available evidence, the clinical significance of this variant remains unclear.